The following is an entry in ClinVar:

ClinVar aggregate classification (germline): Uncertain significance. Review status: criteria provided, multiple submitters, no conflicts (2 of 4 stars). 2 submissions from 2 submitters: Uncertain significance (2). Last evaluated 2026-01-25.

Conditions:
Neurofibromatosis, type 1 (NF1). Also called: NEUROFIBROMATOSIS, TYPE I, SOMATIC; Peripheral type neurofibromatosis; VON RECKLINGHAUSEN DISEASE; Neurofibromatosis, type I. Identifiers: Orphanet 636, MedGen C0027831, MONDO:0018975, OMIM 162200. Disease mechanism: loss of function.

Submissions (2):

Labcorp Genetics (formerly Invitae), Labcorp
Classification: Uncertain significance for Neurofibromatosis, type 1. Last evaluated: 2026-01-25. Review status: criteria provided, single submitter. Criteria: Invitae Variant Classification Sherloc (09022015). Collection method: clinical testing. Allele origin: germline.
Comment: This sequence change replaces asparagine, which is neutral and polar, with aspartic acid, which is acidic and polar, at codon 957 of the NF1 protein (p.Asn957Asp). This variant is not present in population databases (gnomAD no frequency). This variant has not been reported in the literature in individuals affected with NF1-related conditions. ClinVar contains an entry for this variant (Variation ID: 2662342). Invitae Evidence Modeling of protein sequence and biophysical properties (such as structural, functional, and spatial information, amino acid conservation, physicochemical variation, residue mobility, and thermodynamic stability) indicates that this missense variant is expected to disrupt NF1 protein function with a positive predictive value of 95%. This variant disrupts the p.Asn957 amino acid residue in NF1. Other variant(s) that disrupt this residue have been determined to be pathogenic (PMID: 27322474; internal data). This suggests that this residue is clinically significant, and that variants that disrupt this residue are likely to be disease-causing. In summary, the available evidence is currently insufficient to determine the role of this variant in disease. Therefore, it has been classified as a Variant of Uncertain Significance.

GeneDx
Classification: Uncertain significance. Last evaluated: 2023-05-15. Review status: criteria provided, single submitter. Criteria: GeneDx Variant Classification Process June 2021. Collection method: clinical testing. Allele origin: germline. Affected: yes.
Comment: Not observed at significant frequency in large population cohorts (gnomAD); In silico analysis supports that this missense variant has a deleterious effect on protein structure/function; Has not been previously published as pathogenic or benign to our knowledge; This variant is associated with the following publications: (PMID: 25486365, 2121369)

Literature cited by the submitters: PubMed 27322474 (cited by Labcorp Genetics (formerly Invitae), Labcorp).

NM_001042492.3(NF1):c.2869A>G (p.Asn957Asp)

Gene: NF1 (neurofibromin 1; plus strand). Cytogenetic location: 17q11.2.
Variant type: single nucleotide variant.
Coding change: c.2869A>G on transcript NM_001042492.3 (MANE Select); coding-DNA position 2869, A replaced by G.
Protein change: p.Asn957Asp; replaces asparagine 957 with aspartic acid.
Molecular consequence: missense variant.
Genome position (GRCh38, 1-based): chr17:31,229,853, A>G. VCF-style: chr17-31229853-A-G. GRCh37 (hg19) VCF-style: chr17-29556871-A-G.
Other names: c.2869A>G, p.Asn957Asp (NM_000267.4); short protein forms N957D.
Identifiers: ClinVar variation 2662342 (VCV002662342.2), dbSNP rs2151430511, ClinGen allele CA398986015.
Genomic context (GRCh38, chr17:31,229,853, plus strand): 5'-GGCATTGATGGCAAATCATTAATGTATTTGTTCTTTCTTTAGGTTTTATTGACTGATACC[A>G]ATACTCAATTTGTAGAACAAACCATAGCTATAATGAAGAACTTGCTAGATAATCATACTG-3'
Protein context (NP_001035957.1, residues 947-967): SQGQVLLTDT[Asn957Asp]TQFVEQTIAI